The following is an entry in ClinVar:

NM_001379610.1(SPINK1):c.203A>G (p.Gln68Arg)

Gene: SPINK1 (serine peptidase inhibitor Kazal type 1; minus strand). Cytogenetic location: 5q32.
Variant type: single nucleotide variant.
Coding change: c.203A>G on transcript NM_001379610.1 (MANE Select); coding-DNA position 203, A replaced by G.
Protein change: p.Gln68Arg; replaces glutamine 68 with arginine.
Molecular consequence: missense variant.
Genome position (GRCh38, 1-based): chr5:147,824,698, T>C on the plus strand (A>G on the coding strand, the complement: SPINK1 is on the minus strand). VCF-style: chr5-147824698-T-C. GRCh37 (hg19) VCF-style: chr5-147204261-T-C.
Other names: c.203A>G, p.Gln68Arg (NM_001354966.2, NM_003122.5); short protein forms Q68R.
Identifiers: ClinVar variation 410700 (VCV000410700.30), dbSNP rs760077990, ClinGen allele CA3494753.
Genomic context (GRCh38, chr5:147,824,698, plus strand): 5'-ATGGGATTTCAAAACCTTGGTTCTCAGCAAGGCCCAGATTTTTGAATGAGGATAGAAGTC[T>C]GGCGTTTCCTGCAGTAGAGATTAAAAAAAATATATCAGCTTAAACTTCACTGATGAAAAA-3'
Protein context (NP_001366539.1, residues 58-78): CVLCFENRKR[Gln68Arg]TSILIQKSGP

ClinVar aggregate classification (germline): Conflicting classifications of pathogenicity. Review status: criteria provided, conflicting classifications (1 of 4 stars). 7 submissions from 7 submitters: Uncertain significance (6); Likely benign (1). Last evaluated 2025-10-15.

Conditions:
Hereditary pancreatitis (PCTT). Also called: Hereditary chronic pancreatitis; PRSS1-Related Hereditary Pancreatitis. Identifiers: Orphanet 676, MedGen C0238339, MONDO:0008185, OMIM 167800.

Allele frequency attached by ClinVar (database versions not stated): gnomAD 0.00004; ExAC 0.00008; TOPMed 0.00008; gnomAD exomes 0.00010 and 0.00011.

Submissions (7):

Labcorp Genetics (formerly Invitae), Labcorp
Classification: Uncertain significance for Hereditary pancreatitis. Last evaluated: 2025-10-15. Review status: criteria provided, single submitter. Criteria: Invitae Variant Classification Sherloc (09022015). Collection method: clinical testing. Allele origin: germline.
Comment: This sequence change replaces glutamine, which is neutral and polar, with arginine, which is basic and polar, at codon 68 of the SPINK1 protein (p.Gln68Arg). This variant is present in population databases (rs760077990, gnomAD 0.08%), and has an allele count higher than expected for a pathogenic variant. This missense change has been observed in individual(s) with pancreatitis (PMID: 17003641). ClinVar contains an entry for this variant (Variation ID: 410700). An algorithm developed to predict the effect of missense changes on protein structure and function (PolyPhen-2) suggests that this variant is likely to be tolerated. Experimental studies are conflicting or provide insufficient evidence to determine the effect of this variant on SPINK1 function (PMID: 22343981, 28994706, 33515547). In summary, the available evidence is currently insufficient to determine the role of this variant in disease. Therefore, it has been classified as a Variant of Uncertain Significance.

Women's Health and Genetics/Laboratory Corporation of America, LabCorp
Classification: Uncertain significance. Last evaluated: 2024-03-13. Review status: criteria provided, single submitter. Criteria: LabCorp Variant Classification Summary - May 2015. Collection method: clinical testing. Allele origin: germline.
Comment: Variant summary: SPINK1 c.203A>G (p.Gln68Arg) results in a conservative amino acid change located in the Kazal domain (IPR002350) of the encoded protein sequence. Four of five in-silico tools predict a benign effect of the variant on protein function. The variant allele was found at a frequency of 0.00011 in 250422 control chromosomes. This frequency is not significantly higher than estimated for a pathogenic variant in SPINK1 causing Chronic Pancreatitis (0.00011 vs 0.00025), allowing no conclusion about variant significance. c.203A>G has been reported in the literature in individuals affected with Chronic Pancreatitis (examples: Keiles_2006, Szabo_2021) however one of these cases was reported with another pathogenic PRSS1 variant (N29I; Keiles_2006). These report(s) do not provide unequivocal conclusions about association of the variant with Chronic Pancreatitis. Multiple studies have reported conflicting experimental evidence related to this variant (examples: Boulling_2012, Wu_2017, Szabo_2021). The following publications have been ascertained in the context of this evaluation (PMID: 22343981, 17003641, 33515547, 28994706). ClinVar contains an entry for this variant (Variation ID: 410700). Based on the evidence outlined above, the variant was classified as uncertain significance.

Ambry Genetics
Classification: Likely benign for Hereditary pancreatitis. Last evaluated: 2023-12-14. Review status: criteria provided, single submitter. Criteria: Ambry Variant Classification Scheme 2023. Collection method: clinical testing. Allele origin: germline.

Mayo Clinic Laboratories, Mayo Clinic
Classification: Uncertain significance. Last evaluated: 2021-12-16. Review status: criteria provided, single submitter. Criteria: ACMG Guidelines, 2015. Collection method: clinical testing. Allele origin: germline.

Sema4
Classification: Uncertain significance for Hereditary pancreatitis. Last evaluated: 2021-04-04. Review status: criteria provided, single submitter. Criteria: Sema4 Curation Guidelines. Collection method: curation. Allele origin: germline.
Comment: The SPINK1 c.203A>G (p.Q68R) variant has been reported in heterozygosity in at least one individual with chronic pancreatitis who was also found to have a PRSS1 mutation (PMID: 17003641). Functional studies have shown that this variant causes an increase in protein expression but a decrease in mRNA expression (PMID: 22343981, 28994706). This variant was observed in 7/10320 chromosomes in the Ashkenazi Jewish population according to the Genome Aggregation Database (PMID: 32461654). This variant has been reported in ClinVar (Variation ID: 410700). In silico tools suggest the impact of the variant on protein function is inconclusive. Based on the current evidence available, this variant is interpreted as a variant of uncertain significance.

ARUP Laboratories, Molecular Genetics and Genomics, ARUP Laboratories
Classification: Uncertain significance. Last evaluated: 2019-06-09. Review status: criteria provided, single submitter. Criteria: ARUP Molecular Germline Variant Investigation Process. Collection method: clinical testing. Allele origin: germline.
Comment: The SPINK1 c.203A>G; p.Gln68Arg variant (rs760077990) is reported in the literature in a single individual affected with pancreatitis, who also carried a pathogenic PRSS1 variant (Keiles 2006). This variant is reported as uncertain significance by multiple laboratories in ClinVar (Variation ID: 410700), and is found in the general population with an allele frequency of 0.010% (29/281824 alleles) in the Genome Aggregation Database. The glutamine at codon 68 is moderately conserved, and computational analyses (SIFT: tolerated, PolyPhen-2: possibly damaging) predict conflicting effects of this variant on protein structure/function. In vitro functional analyses show increased protein expression (Boulling 2012) but slightly decreased mRNA expression (Wu 2017). Due to limited information, the clinical significance of the p.Gln68Arg variant is uncertain at this time. References: Boulling A et al. Functional analysis of eight missense mutations in the SPINK1 gene. Pancreas. 2012 Mar;41(2):329-30. Keiles S and Kammesheidt A. Identification of CFTR, PRSS1, and SPINK1 mutations in 381 patients with pancreatitis. Pancreas. 2006 Oct;33(3):221-7. Wu H et al. Analysis of the Impact of Known SPINK1 Missense Variants on Pre-mRNA Splicing and/or mRNA Stability in a Full-Length Gene Assay. Genes (Basel). 2017 Oct 10;8(10). pii: E263.

Illumina Laboratory Services, Illumina
Classification: Uncertain significance for Hereditary pancreatitis. Last evaluated: 2017-04-28. Review status: criteria provided, single submitter. Criteria: ICSL Variant Classification Criteria 13 December 2019. Collection method: clinical testing. Allele origin: germline.
Comment: This variant was observed as part of a predisposition screen in an ostensibly healthy population. A literature search was performed for the gene, cDNA change, and amino acid change (where applicable). Publications were found based on this search. However, the evidence from the literature, in combination with allele frequency data from public databases where available, was not sufficient to rule this variant in or out of causing disease. Therefore, this variant is classified as a variant of unknown significance.

Literature cited by the submitters: PubMed 17003641 (cited by 5 submitters); PubMed 22343981 (cited by 5 submitters); PubMed 28994706 (cited by 4 submitters); PubMed 33515547 (cited by 3 submitters); PubMed 22343980 (cited by Illumina Laboratory Services, Illumina); PubMed 26228362 (cited by Illumina Laboratory Services, Illumina); PubMed 22749696 (cited by Illumina Laboratory Services, Illumina).